The following is an entry in ClinVar:

ClinVar aggregate classification (germline): Benign. Review status: criteria provided, multiple submitters, no conflicts (2 of 4 stars). 3 submissions from 3 submitters: Benign (3). Last evaluated 2024-07-31.

Allele frequency attached by ClinVar (database versions not stated): gnomAD exomes 0.21990 and 0.25087; ExAC 0.22823; 1000 Genomes Project 0.25739; gnomAD 0.27551 and 0.28090; TOPMed 0.28367; ESP Exome Variant Server 0.29486.
gnomAD v4.1: 406,706 of 1,607,106 alleles (25%); highest among the groups gnomAD compares: African/African-American, 40%; 54,322 homozygotes.

Submissions (3):

Unidad de Genómica Garrahan, Hospital de Pediatría Garrahan
Classification: Benign. Last evaluated: 2024-07-31. Review status: criteria provided, single submitter. Criteria: ACMG Guidelines, 2015. Collection method: clinical testing. Allele origin: germline. Affected: no. Observed: 27 variant alleles.
Comment: This variant is classified as Benign based on local population frequency. This variant was detected in 29% of patients studied in a panel designed for Epileptic and Developmental Encephalopathy, Progressive Myoclonus Epilepsy and Abnormal Movements and Neurodegeneration with brain iron accumulation. Number of patients: 27. Only high quality variants are reported.

GeneDx
Classification: Benign. Last evaluated: 2018-06-14. Review status: criteria provided, single submitter. Criteria: GeneDx Variant Classification (06012015). Collection method: clinical testing. Allele origin: germline. Affected: yes.
Comment: This variant is considered likely benign or benign based on one or more of the following criteria: it is a conservative change, it occurs at a poorly conserved position in the protein, it is predicted to be benign by multiple in silico algorithms, and/or has population frequency not consistent with disease.

Breakthrough Genomics
Classification: Benign. Review status: criteria provided, single submitter. Criteria: ACMG Guidelines, 2015. Collection method: not provided. Allele origin: germline. Inheritance: Autosomal recessive inheritance. Affected: yes.

NM_024306.5(FA2H):c.614-21G>A

Gene: FA2H (fatty acid 2-hydroxylase; minus strand). Cytogenetic location: 16q23.1.
Variant type: single nucleotide variant.
Coding change: c.614-21G>A on transcript NM_024306.5 (MANE Select); 21 bases into the intron before coding-DNA position 614, G replaced by A.
Molecular consequence: intron variant.
Genome position (GRCh38, 1-based): chr16:74,719,181, C>T on the plus strand (G>A on the coding strand, the complement: FA2H is on the minus strand). VCF-style: chr16-74719181-C-T. GRCh37 (hg19) VCF-style: chr16-74753079-C-T.
Identifiers: ClinVar variation 680134 (VCV000680134.4), dbSNP rs2074629, ClinGen allele CA8170456.